The following is an entry in ClinVar:

ClinVar aggregate classification (germline): Benign/Likely benign. Review status: criteria provided, multiple submitters, no conflicts (2 of 4 stars). 4 submissions from 4 submitters: Benign (3); Likely benign (1). Last evaluated 2024-11-26.

Conditions:
Primary ciliary dyskinesia 12. Also called: CILIARY DYSKINESIA, PRIMARY, 12, WITHOUT SITUS INVERSUS. Identifiers: Orphanet 244, MedGen C2675228, MONDO:0012979, OMIM 612650.

Allele frequency attached by ClinVar (database versions not stated): gnomAD exomes 0.00401 and 0.01068; ExAC 0.01276; gnomAD 0.04211 and 0.04516; 1000 Genomes Project 0.04233; ESP Exome Variant Server 0.04317; 1000 Genomes Project 30x 0.04403; TOPMed 0.04706.
gnomAD v4.1: 12,497 of 1,606,496 alleles (0.78%); highest among the groups gnomAD compares: African/African-American, 14%; 830 homozygotes.

Submissions (4):

Blueprint Genetics
Classification: Likely benign. Last evaluated: 2024-11-26. Review status: criteria provided, single submitter. Criteria: ACMG Guidelines, 2015. Collection method: clinical testing. Allele origin: germline.

GeneDx
Classification: Benign. Last evaluated: 2018-12-31. Review status: criteria provided, single submitter. Criteria: GeneDx Variant Classification Process June 2021. Collection method: clinical testing. Allele origin: germline. Affected: yes.

Illumina Laboratory Services, Illumina
Classification: Benign for Primary ciliary dyskinesia 12. Last evaluated: 2018-01-13. Review status: criteria provided, single submitter. Criteria: ICSL Variant Classification Criteria 13 December 2019. Collection method: clinical testing. Allele origin: germline.
Comment: This variant was observed in the ICSL laboratory as part of a predisposition screen in an ostensibly healthy population. It had not been previously curated by ICSL or reported in the Human Gene Mutation Database (HGMD: prior to June 1st, 2018), and was therefore a candidate for classification through an automated scoring system. Utilizing variant allele frequency, disease prevalence and penetrance estimates, and inheritance mode, an automated score was calculated to assess if this variant is too frequent to cause the disease. Based on the score and internal cut-off values, a variant classified as benign is not then subjected to further curation. The score for this variant resulted in a classification of benign for this disease.

PreventionGenetics, part of Exact Sciences
Classification: Benign. Review status: criteria provided, single submitter. Criteria: ACMG Guidelines, 2015. Collection method: clinical testing. Allele origin: germline.

NM_152732.5(RSPH9):c.-18A>G

Gene: RSPH9 (radial spoke head component 9; plus strand). Cytogenetic location: 6p21.1.
Variant type: single nucleotide variant.
Coding change: c.-18A>G on transcript NM_152732.5 (MANE Select); 18 bases upstream of the start codon, A replaced by G.
Molecular consequence: 5 prime UTR variant. On other transcripts: non-coding transcript variant (2).
Genome position (GRCh38, 1-based): chr6:43,645,081, A>G. VCF-style: chr6-43645081-A-G. GRCh37 (hg19) VCF-style: chr6-43612818-A-G.
Other names: c.-18A>G (NM_001193341.2, NM_001424119.1, NM_001424120.1 and 1 more transcripts).
Identifiers: ClinVar variation 262684 (VCV000262684.11), dbSNP rs59110261, ClinGen allele CA3828177.